The following is an entry in ClinVar:

ClinVar aggregate classification (germline): Likely benign (1 of 4 stars; one submission).

Conditions:
ABCC12-related condition.

gnomAD v4.1: 43 of 1,608,532 alleles (0.0027%); highest among the groups gnomAD compares: African/African-American, 0.035%; no homozygotes.

Submission:

PreventionGenetics, part of Exact Sciences
Classification: Likely benign for ABCC12-related condition. Last evaluated: 2025-12-26. Review status: criteria provided, single submitter. Criteria: ACMG Guidelines, 2015. Collection method: clinical testing. Allele origin: germline.
Comment: This variant is classified as likely benign based on ACMG/AMP sequence variant interpretation guidelines (Richards et al. 2015 PMID: 25741868, with internal and published modifications).

NM_001393797.1(ABCC12):c.3831C>T (p.Ile1277=)

Gene: ABCC12 (ATP binding cassette subfamily C member 12; minus strand). Cytogenetic location: 16q12.1.
Variant type: single nucleotide variant.
Coding change: c.3831C>T on transcript NM_001393797.1 (MANE Select); coding-DNA position 3831, C replaced by T.
Protein change: p.Ile1277=; no amino-acid change (isoleucine 1277 retained).
Molecular consequence: synonymous variant. On other transcripts: non-coding transcript variant (8).
Genome position (GRCh38, 1-based): chr16:48,084,071, G>A on the plus strand (C>T on the coding strand, the complement: ABCC12 is on the minus strand). VCF-style: chr16-48084071-G-A. GRCh37 (hg19) VCF-style: chr16-48117982-G-A.
Other names: c.360C>T, p.Ile120= (NM_001393798.1); c.453C>T, p.Ile151= (NM_001393799.1); c.3831C>T, p.Ile1277= (NM_033226.3).
Identifiers: ClinVar variation 4981171 (VCV004981171.1).